The following is an entry in ClinVar:

NM_000222.3(KIT):c.156C>T (p.Asp52=)

Gene: KIT (KIT proto-oncogene, receptor tyrosine kinase; plus strand). Cytogenetic location: 4q12.
Variant type: single nucleotide variant.
Coding change: c.156C>T on transcript NM_000222.3 (MANE Select); coding-DNA position 156, C replaced by T.
Protein change: p.Asp52=; no amino-acid change (aspartic acid 52 retained).
Molecular consequence: synonymous variant.
Genome position (GRCh38, 1-based): chr4:54,695,600, C>T. VCF-style: chr4-54695600-C-T. GRCh37 (hg19) VCF-style: chr4-55561766-C-T.
Other names: c.156C>T, p.Asp52= (NM_001093772.2, NM_001385284.1, NM_001385285.1 and 4 more transcripts).
Identifiers: ClinVar variation 528671 (VCV000528671.15), dbSNP rs942280887, ClinGen allele CA96845639.
Genomic context (GRCh38, chr4:54,695,600, plus strand): 5'-GGAACCGTCTCCACCATCCATCCATCCAGGAAAATCAGACTTAATAGTCCGCGTGGGCGA[C>T]GAGATTAGGCTGTTATGCACTGATCCGGGCTTTGTCAAATGGACTTTTGAGATCCTGGAT-3'
Protein context (NP_000213.1, residues 42-62): GKSDLIVRVG[Asp52=]EIRLLCTDPG

ClinVar aggregate classification (germline): Benign/Likely benign. Review status: criteria provided, multiple submitters, no conflicts (2 of 4 stars). 3 submissions from 3 submitters: Benign (1); Likely benign (2). Last evaluated 2026-06-02.

Conditions:
Gastrointestinal stromal tumor. Also called: Gastrointestinal stromal tumor, somatic; Gastrointestinal stroma tumor. Identifiers: Orphanet 44890, MedGen C0238198, MeSH D046152, MONDO:0011719, OMIM 606764, HP:0100723.
Hereditary cancer-predisposing syndrome. Also called: Hereditary neoplastic syndrome; Neoplastic Syndromes, Hereditary; Hereditary Cancer Syndrome; Tumor predisposition. Identifiers: Orphanet 140162, MedGen C0027672, MeSH D009386, MONDO:0015356.

Allele frequency attached by ClinVar (database versions not stated): gnomAD 0.00001; TOPMed 0.00001; gnomAD exomes 0.00002.
gnomAD v4.1: 28 of 1,614,048 alleles (0.0017%); highest among the groups gnomAD compares: Non-Finnish European, 0.0019%; no homozygotes.

Submissions (3):

Myriad Genetics, Inc.
Classification: Benign for Gastrointestinal stromal tumor. Last evaluated: 2026-06-02. Review status: criteria provided, single submitter. Criteria: Myriad Autosomal Dominant, Autosomal Recessive and X-Linked Classification Criteria (2023). Collection method: clinical testing. Allele origin: unknown.
Comment: This variant is considered benign. This variant is a silent/synonymous amino acid change and it is not expected to impact splicing.

Labcorp Genetics (formerly Invitae), Labcorp
Classification: Likely benign for Gastrointestinal stromal tumor. Last evaluated: 2026-01-26. Review status: criteria provided, single submitter. Criteria: Invitae Variant Classification Sherloc (09022015). Collection method: clinical testing. Allele origin: germline.

Ambry Genetics
Classification: Likely benign for Hereditary cancer-predisposing syndrome. Last evaluated: 2020-01-22. Review status: criteria provided, single submitter. Criteria: Ambry Variant Classification Scheme 2023. Collection method: clinical testing. Allele origin: germline.